The following is an entry in ClinVar:

ClinVar aggregate classification (germline): Uncertain significance. Review status: criteria provided, multiple submitters, no conflicts (2 of 4 stars). 2 submissions from 2 submitters: Uncertain significance (2). Last evaluated 2022-10-13.

Conditions:
Hereditary cancer-predisposing syndrome. Also called: Neoplastic Syndromes, Hereditary; Hereditary Cancer Syndrome; Hereditary neoplastic syndrome; Tumor predisposition. Identifiers: Orphanet 140162, MedGen C0027672, MeSH D009386, MONDO:0015356.

Submissions (2):

Labcorp Genetics (formerly Invitae), Labcorp
Classification: Uncertain significance. Last evaluated: 2022-10-13. Review status: criteria provided, single submitter. Criteria: Invitae Variant Classification Sherloc (09022015). Collection method: clinical testing. Allele origin: germline.
Comment: In summary, the available evidence is currently insufficient to determine the role of this variant in disease. Therefore, it has been classified as a Variant of Uncertain Significance. Advanced modeling of protein sequence and biophysical properties (such as structural, functional, and spatial information, amino acid conservation, physicochemical variation, residue mobility, and thermodynamic stability) performed at Invitae indicates that this missense variant is expected to disrupt POLE protein function. ClinVar contains an entry for this variant (Variation ID: 540635). This variant has not been reported in the literature in individuals affected with POLE-related conditions. This variant is not present in population databases (gnomAD no frequency). This sequence change replaces glycine, which is neutral and non-polar, with serine, which is neutral and polar, at codon 49 of the POLE protein (p.Gly49Ser).

Ambry Genetics
Classification: Uncertain significance for Hereditary cancer-predisposing syndrome. Last evaluated: 2022-06-11. Review status: criteria provided, single submitter. Criteria: Ambry Variant Classification Scheme 2023. Collection method: clinical testing. Allele origin: germline.
Comment: The p.G49S variant (also known as c.145G>A), located in coding exon 2 of the POLE gene, results from a G to A substitution at nucleotide position 145. The glycine at codon 49 is replaced by serine, an amino acid with similar properties. This amino acid position is conserved. In addition, the in silico prediction for this alteration is inconclusive. Since supporting evidence is limited at this time, the clinical significance of this alteration remains unclear.

NM_006231.4(POLE):c.145G>A (p.Gly49Ser)

Gene: POLE (DNA polymerase epsilon, catalytic subunit; minus strand). Cytogenetic location: 12q24.33.
Variant type: single nucleotide variant.
Coding change: c.145G>A on transcript NM_006231.4 (MANE Select); coding-DNA position 145, G replaced by A.
Protein change: p.Gly49Ser; replaces glycine 49 with serine.
Molecular consequence: missense variant.
Genome position (GRCh38, 1-based): chr12:132,681,197, C>T on the plus strand (G>A on the coding strand, the complement: POLE is on the minus strand). VCF-style: chr12-132681197-C-T. GRCh37 (hg19) VCF-style: chr12-133257783-C-T.
Other names: short protein forms G49S.
Identifiers: ClinVar variation 540635 (VCV000540635.11), dbSNP rs1555230418, ClinGen allele CA387370007.